The following is an entry in ClinVar:

ClinVar aggregate classification (germline): Likely benign (1 of 4 stars; one submission).

Allele frequency attached by ClinVar (database versions not stated): gnomAD 0.00018; 1000 Genomes Project 30x 0.00021; TOPMed 0.00043; gnomAD exomes 0.00052; ExAC 0.00063; 1000 Genomes Project 0.00026; ESP Exome Variant Server 0.00028.
gnomAD v4.1: 587 of 1,209,714 alleles (0.049%); highest among the groups gnomAD compares: Admixed American, 0.31%; no homozygotes.

Submission:

CeGaT Center for Human Genetics Tuebingen
Classification: Likely benign. Last evaluated: 2023-03-01. Review status: criteria provided, single submitter. Criteria: CeGaT Center For Human Genetics Tuebingen Variant Classification Criteria Version 2. Collection method: clinical testing. Allele origin: germline. Affected: yes. Observed: 1 variant allele.
Comment: MXRA5: BP4, BS2

NM_015419.4(MXRA5):c.4261G>A (p.Glu1421Lys)

Gene: MXRA5 (matrix remodeling associated 5; minus strand). Cytogenetic location: Xp22.33.
Variant type: single nucleotide variant.
Coding change: c.4261G>A on transcript NM_015419.4 (MANE Select); coding-DNA position 4261, G replaced by A.
Protein change: p.Glu1421Lys; replaces glutamic acid 1421 with lysine.
Molecular consequence: missense variant.
Genome position (GRCh38, 1-based): chrX:3,321,424, C>T on the plus strand (G>A on the coding strand, the complement: MXRA5 is on the minus strand). VCF-style: chrX-3321424-C-T. GRCh37 (hg19) VCF-style: chrX-3239465-C-T.
Other names: short protein forms E1421K.
Identifiers: ClinVar variation 2659883 (VCV002659883.24), dbSNP rs146100135, ClinGen allele CA10339933.